The following is an entry in ClinVar:

ClinVar aggregate classification (germline): Pathogenic. Review status: criteria provided, multiple submitters, no conflicts (2 of 4 stars). 10 submissions from 10 submitters: Pathogenic (10). Last evaluated 2025-05-08.
ClinVar aggregate classification (oncogenicity): Likely oncogenic (1 of 4 stars; one submission).

Conditions:
NF1-related disorder. Also called: NF1-related condition. Identifiers: MedGen CN379171.
Neurofibromatosis, type 1 (NF1). Also called: VON RECKLINGHAUSEN DISEASE; Peripheral type neurofibromatosis; NEUROFIBROMATOSIS, TYPE I, SOMATIC; Neurofibromatosis, type I. Identifiers: Orphanet 636, MedGen C0027831, MONDO:0018975, OMIM 162200. Disease mechanism: loss of function.
Neoplasm. Also called: Neoplasms; Neoplasm (disease); tumor. Identifiers: MedGen C0027651, MeSH D009369, MONDO:0005070, HP:0002664.

Submissions (11):

Institute of Human Genetics, University of Leipzig Medical Center
Classification: Pathogenic for Neurofibromatosis, type 1. Last evaluated: 2025-05-08. Review status: criteria provided, single submitter. Criteria: ACMG Guidelines, 2015. Collection method: clinical testing. Allele origin: unknown. Inheritance: Autosomal dominant inheritance. Affected: yes.
Comment: Criteria applied: PVS1,PS4,PM2

Labcorp Genetics (formerly Invitae), Labcorp
Classification: Pathogenic for Neurofibromatosis, type 1. Last evaluated: 2025-03-05. Review status: criteria provided, single submitter. Criteria: Invitae Variant Classification Sherloc (09022015). Collection method: clinical testing. Allele origin: germline.
Comment: This sequence change creates a premature translational stop signal (p.Phe1275Profs*8) in the NF1 gene. It is expected to result in an absent or disrupted protein product. Loss-of-function variants in NF1 are known to be pathogenic (PMID: 10712197, 23913538). This variant is not present in population databases (gnomAD no frequency). This variant has not been reported in the literature in individuals affected with NF1-related conditions. This variant is also known as 3818delCT. ClinVar contains an entry for this variant (Variation ID: 457670). For these reasons, this variant has been classified as Pathogenic.

Center for Genomic Medicine, Rigshospitalet, Copenhagen University Hospital
Classification: Likely oncogenic for Neoplasm. Last evaluated: 2025-03-04. Review status: criteria provided, single submitter. Criteria: ClinGen/CGC/VICC Guidelines for Oncogenicity, 2022. Collection method: clinical testing. Allele origin: somatic. Affected: yes.

Blueprint Genetics
Classification: Pathogenic for NF1-related disorders. Last evaluated: 2024-09-22. Review status: criteria provided, single submitter. Criteria: ACMG Guidelines, 2015. Collection method: clinical testing. Allele origin: germline. Affected: yes. Observed: 3 variant alleles.

GeneDx
Classification: Pathogenic. Last evaluated: 2024-04-18. Review status: criteria provided, single submitter. Criteria: GeneDx Variant Classification Process June 2021. Collection method: clinical testing. Allele origin: germline. Affected: yes.
Comment: Frameshift variant predicted to result in protein truncation or nonsense mediated decay in a gene for which loss of function is a known mechanism of disease; Not observed at significant frequency in large population cohorts (gnomAD); This variant is associated with the following publications: (PMID: 16944272, 18546366, 31776437, 10712197, 30014477, 10607834)

PreventionGenetics, part of Exact Sciences
Classification: Pathogenic for NF1-related condition. Last evaluated: 2022-10-18. Review status: criteria provided, single submitter. Criteria: ACMG Guidelines, 2015. Collection method: clinical testing. Allele origin: germline.
Comment: The NF1 c.3822_3823delCT variant is predicted to result in a frameshift and premature protein termination (p.Phe1275Profs*8). This variant has been reported in multiple individuals with neurofibromatosis type 1 (Table 1 - 3818delCT - Ars et al. 2000. PubMed ID: 10607834; Table 4 - 3822delCT - Fahsold et al. 2000. PubMed ID: 10712197; Table 1 - Griffiths et al. 2007. PubMed ID: 16944272; Table S1 - Pros et al. 2008. PubMed ID: 18546366) and has been interpreted as pathogenic in ClinVar. This variant has not been reported in a large population database, indicating this variant is rare. Frameshift variants in NF1 are expected to be pathogenic. This variant is interpreted as pathogenic.

Genome-Nilou Lab
Classification: Pathogenic for Neurofibromatosis, type 1. Last evaluated: 2022-03-15. Review status: criteria provided, single submitter. Criteria: ACMG Guidelines, 2015. Collection method: clinical testing. Allele origin: germline. Affected: no.

Athena Diagnostics
Classification: Pathogenic. Last evaluated: 2021-04-01. Review status: criteria provided, single submitter. Criteria: Athena Diagnostics criteria. Collection method: clinical testing. Allele origin: unknown.
Comment: This variant is expected to result in the loss of a functional protein. This variant has not been reported in large, multi-ethnic general populations. This variant has been identified in multiple unrelated individuals with clinical features associated with this gene. In some published literature, this variant is referred to as c.3818delCT.

Quest Diagnostics Nichols Institute San Juan Capistrano
Classification: Pathogenic. Last evaluated: 2021-04-01. Review status: criteria provided, single submitter. Criteria: Quest Diagnostics criteria. Collection method: clinical testing. Allele origin: unknown.
Comment: The NF1 c.3822_3823del (p.Phe1275Profs*8) variant alters the translational reading frame of the NF1 mRNA and causes the premature termination of NF1 protein synthesis. This variant has been reported in the published literature in individuals with neurofibromatosis 1 (NF1) (PMIDs: 31776437 (2020), 30014477 (2018), 18546366 (2008), 16944272 (2007), 10712197 (2000), 10607834 (2000)). This variant has not been reported in large, multi-ethnic general populations (Genome Aggregation Database). Based on the available information, this variant is classified as pathogenic.

Genome Diagnostics Laboratory, The Hospital for Sick Children
Classification: Pathogenic for Neurofibromatosis, type 1. Last evaluated: 2020-10-26. Review status: criteria provided, single submitter. Criteria: ACMG Guidelines, 2015. Collection method: clinical testing. Allele origin: germline. Affected: yes.

Center for Human Genetics, Inc
Classification: Pathogenic for Neurofibromatosis, type 1. Last evaluated: 2016-11-01. Review status: criteria provided, single submitter. Criteria: ACMG Guidelines, 2015. Collection method: clinical testing. Allele origin: germline. Affected: yes.

Literature cited by the submitters: PubMed 10712197 (cited by 3 submitters); PubMed 23913538 (cited by Labcorp Genetics (formerly Invitae), Labcorp); PubMed 34046057 (cited by Center for Genomic Medicine, Rigshospitalet, Copenhagen University Hospital); PubMed 30014477 (cited by Athena Diagnostics and Quest Diagnostics Nichols Institute San Juan Capistrano); PubMed 18546366 (cited by Athena Diagnostics and Quest Diagnostics Nichols Institute San Juan Capistrano); PubMed 16944272 (cited by Athena Diagnostics and Quest Diagnostics Nichols Institute San Juan Capistrano); PubMed 10607834 (cited by Athena Diagnostics and Quest Diagnostics Nichols Institute San Juan Capistrano); PubMed 31776437 (cited by Quest Diagnostics Nichols Institute San Juan Capistrano).

NM_001042492.3(NF1):c.3822_3823del (p.Phe1275fs)

Gene: NF1 (neurofibromin 1; plus strand). Cytogenetic location: 17q11.2.
Variant type: Microsatellite.
Coding change: c.3822_3823del on transcript NM_001042492.3 (MANE Select); coding-DNA positions 3822 to 3823, 2 bases deleted (CT; older notation c.3822_3823delCT).
Protein change: p.Phe1275fs; shifts the reading frame from phenylalanine 1275.
Molecular consequence: frameshift variant.
Genome position (GRCh38, 1-based): chr17:31,235,724-31,235,725, CT deleted; deleting any 2 consecutive bases within chr17:31,235,720-31,235,725 gives the same sequence; the c. name uses the placement nearest the transcript's 3' end. VCF-style (leftmost placement, unchanged base first): chr17-31235719-ACT-A. GRCh37 (hg19) VCF-style: chr17-29562737-ACT-A.
Other names: c.3818_3819CT[2], p.Phe1275Profs (NM_000267.4); c.3822_3823delCT (NM_000267.3, NM_001042492.2); short protein forms F1275fs.
Identifiers: ClinVar variation 457670 (VCV000457670.20), dbSNP rs1555615472, ClinGen allele CA645578927.